The following is an entry in ClinVar:

ClinVar aggregate classification (germline): Uncertain significance (1 of 4 stars; one submission).

Conditions:
Fabry disease. Also called: ALPHA-GALACTOSIDASE A DEFICIENCY; ANDERSON-FABRY DISEASE; CERAMIDE TRIHEXOSIDASE DEFICIENCY; GLA DEFICIENCY; HEREDITARY DYSTOPIC LIPIDOSIS; Angiokeratoma corporis diffusum. Identifiers: Orphanet 324, MedGen C0002986, MONDO:0010526, OMIM 301500, HP:0001071. Disease mechanism: Fabry disease is due to inactivating mutations in the X-linked GLA gene resulting in deficiency of the enzyme Alpha Galactosidase-A., loss of function.

Submission:

Genomenon, Inc
Classification: Uncertain significance for Fabry disease. Last evaluated: 2026-09-08. Review status: criteria provided, single submitter. Criteria: Genomenon Sequence Variant Interpretation Standards - Updated. Collection method: curation. Allele origin: germline. Affected: yes.
Comment: GLA c.547+404T>G is an intronic variant located in intron 3. This variant has been observed in at least one proband with clinical features consistent with Fabry disease (PMID:34785703). It is absent or not present at a significant frequency in gnomAD. In silico models predict that this variant is possibly or probably damaging. In conclusion, we classify GLA c.547+404T>G as a variant of uncertain significance.

Literature cited by the submitters: PubMed 34785703.

NM_000169.3(GLA):c.547+404T>G

Genes: GLA (galactosidase alpha; minus strand), RPL36A-HNRNPH2 (RPL36A-HNRNPH2 readthrough; plus strand). Cytogenetic location: Xq22.1.
Variant type: single nucleotide variant.
Coding change: c.547+404T>G on transcript NM_000169.3 (MANE Select); 404 bases into the intron after coding-DNA position 547, T replaced by G.
Molecular consequence: intron variant. On other transcripts: 3 prime UTR variant (1).
Genome position (GRCh38, 1-based): chrX:101,401,228, A>C on the plus strand (T>G on the coding strand, the complement: GLA is on the minus strand). VCF-style: chrX-101401228-A-C. GRCh37 (hg19) VCF-style: chrX-100656216-A-C.
Other names: c.*315T>G (NM_001406749.1); c.300+5771A>C (NM_001199973.2); c.177+9406A>C (NM_001199974.2); c.670+404T>G (NM_001406747.1); c.547+404T>G (NM_001406748.1).
Identifiers: ClinVar variation 4087109 (VCV004087109.2).